The following is an entry in ClinVar:

ClinVar aggregate classification (germline): Pathogenic (0 of 4 stars; one submission).

Conditions:
Fanconi anemia complementation group B (FANCB). Also called: FANCB-Related Fanconi Anemia; FANCONI PANCYTOPENIA, TYPE 2. Identifiers: Orphanet 84, MedGen C1845292, MONDO:0010351, OMIM 300514.

Submission:

Leiden Open Variation Database
Classification: Pathogenic for Fanconi anemia complementation group B. Last evaluated: 2020-02-28. Review status: no assertion criteria provided. Collection method: curation. Allele origin: germline. Affected: yes.
Comment: Curator: Arleen D. Auerbach. Submitter to LOVD: Arleen D. Auerbach.

NM_001018113.3(FANCB):c.2172_2175del (p.Thr725fs)

Gene: FANCB (FA complementation group B; minus strand). Cytogenetic location: Xp22.2.
Variant type: Deletion.
Coding change: c.2172_2175del on transcript NM_001018113.3 (MANE Select); coding-DNA positions 2172 to 2175, 4 bases deleted (AACA; older notation c.2172_2175delAACA).
Protein change: p.Thr725fs; shifts the reading frame from threonine 725.
Molecular consequence: frameshift variant.
Genome position (GRCh38, 1-based): chrX:14,843,972-14,843,975, TGTT deleted on the plus strand (AACA on the coding strand, the reverse complement: FANCB is on the minus strand); deleting any 4 consecutive bases within chrX:14,843,972-14,843,977 gives the same sequence; the c. name uses the placement nearest the transcript's 3' end. VCF-style (leftmost placement, unchanged base first): chrX-14843971-CTGTT-C. GRCh37 (hg19) VCF-style: chrX-14862093-CTGTT-C.
Other names: c.2172_2175del, p.Thr725fs (NM_001324162.2, NM_152633.4); short protein forms T725fs.
Identifiers: ClinVar variation 691314 (VCV000691314.2), dbSNP rs1601976655, ClinGen allele CA915950775.